The following is an entry in ClinVar:

ClinVar aggregate classification (germline): Uncertain significance (1 of 4 stars; one submission).

Submission:

Women's Health and Genetics/Laboratory Corporation of America, LabCorp
Classification: Uncertain significance. Last evaluated: 2020-12-11. Review status: criteria provided, single submitter. Criteria: LabCorp Variant Classification Summary - May 2015. Collection method: clinical testing. Allele origin: germline.
Comment: Variant summary: APC c.7303C>G (p.Pro2435Ala) results in a non-conservative amino acid change located in the Adenomatous polyposis coli protein basic domain of the encoded protein sequence. Four of five in-silico tools predict a damaging effect of the variant on protein function. The variant was absent in 250752 control chromosomes. The available data on variant occurrences in the general population are insufficient to allow any conclusion about variant significance. c.7303C>G has been reported in the literature as a somatic variant in a gallbladder cancer patient (Pandey_2020). This report does not provide unequivocal conclusions about association of the variant with Familial Adenomatous Polyposis. To our knowledge, no experimental evidence demonstrating an impact on protein function has been reported. No clinical diagnostic laboratories have submitted clinical-significance assessments for this variant to ClinVar after 2014. Based on the evidence outlined above, the variant was classified as uncertain significance.

Literature cited by the submitters: PubMed 32839463.

NM_000038.6(APC):c.7303C>G (p.Pro2435Ala)

Gene: APC (APC regulator of WNT signaling pathway; plus strand). Cytogenetic location: 5q22.2.
Variant type: single nucleotide variant.
Coding change: c.7303C>G on transcript NM_000038.6 (MANE Select); coding-DNA position 7303, C replaced by G.
Protein change: p.Pro2435Ala; replaces proline 2435 with alanine.
Molecular consequence: missense variant.
Genome position (GRCh38, 1-based): chr5:112,842,897, C>G. VCF-style: chr5-112842897-C-G. GRCh37 (hg19) VCF-style: chr5-112178594-C-G.
Other names: c.7303C>G, p.Pro2435Ala (NM_001127510.3, NM_001354895.2); c.7249C>G, p.Pro2417Ala (NM_001127511.3); c.7357C>G, p.Pro2453Ala (NM_001354896.2); c.7333C>G, p.Pro2445Ala (NM_001354897.2); c.7228C>G, p.Pro2410Ala (NM_001354898.2); c.7219C>G, p.Pro2407Ala (NM_001354899.2); c.7180C>G, p.Pro2394Ala (NM_001354900.2); c.7126C>G, p.Pro2376Ala (NM_001354901.2); and 5 more; short protein forms P2152A, P2275A, P2309A, P2334A, P2344A, P2376A, P2394A, P2407A.
Identifiers: ClinVar variation 992244 (VCV000992244.1), dbSNP rs1114167590, ClinGen allele CA16037236.